The following is an entry in ClinVar:

ClinVar aggregate classification (germline): Uncertain significance. Review status: criteria provided, multiple submitters, no conflicts (2 of 4 stars). 3 submissions from 3 submitters: Uncertain significance (3). Last evaluated 2025-08-05.

Conditions:
Megalencephaly-polymicrogyria-postaxial polydactyly-hydrocephalus syndrome. Also called: MEG-PMG-MEGACC SYNDROME; MPPH Syndrome. Identifiers: Orphanet 83473, MedGen C1863924, MONDO:0019375.
Inborn genetic diseases. Identifiers: MedGen C0950123, MeSH D030342.

Allele frequency attached by ClinVar (database versions not stated): TOPMed 0.00002; gnomAD 0.00004; gnomAD exomes 0.00005; 1000 Genomes Project 30x 0.00016; ExAC 0.00023.
gnomAD v4.1: 74 of 1,454,848 alleles (0.0051%); highest among the groups gnomAD compares: South Asian, 0.015%; no homozygotes.

Submissions (3):

Ambry Genetics
Classification: Uncertain significance for Inborn genetic diseases. Last evaluated: 2025-08-05. Review status: criteria provided, single submitter. Criteria: Ambry Variant Classification Scheme 2023. Collection method: clinical testing. Allele origin: germline.

Labcorp Genetics (formerly Invitae), Labcorp
Classification: Uncertain significance for Megalencephaly-polymicrogyria-postaxial polydactyly-hydrocephalus syndrome. Last evaluated: 2023-12-18. Review status: criteria provided, single submitter. Criteria: Invitae Variant Classification Sherloc (09022015). Collection method: clinical testing. Allele origin: germline.
Comment: This sequence change replaces arginine, which is basic and polar, with cysteine, which is neutral and slightly polar, at codon 94 of the PIK3R2 protein (p.Arg94Cys). This variant is present in population databases (rs751984228, gnomAD 0.009%). This variant has not been reported in the literature in individuals affected with PIK3R2-related conditions. ClinVar contains an entry for this variant (Variation ID: 2561133). Advanced modeling of protein sequence and biophysical properties (such as structural, functional, and spatial information, amino acid conservation, physicochemical variation, residue mobility, and thermodynamic stability) performed at Invitae indicates that this missense variant is not expected to disrupt PIK3R2 protein function with a negative predictive value of 95%. In summary, the available evidence is currently insufficient to determine the role of this variant in disease. Therefore, it has been classified as a Variant of Uncertain Significance.

CeGaT Center for Human Genetics Tuebingen
Classification: Uncertain significance. Last evaluated: 2023-11-01. Review status: criteria provided, single submitter. Criteria: CeGaT Center For Human Genetics Tuebingen Variant Classification Criteria Version 2. Collection method: clinical testing. Allele origin: germline. Affected: yes. Observed: 1 variant allele.

NM_005027.4(PIK3R2):c.280C>T (p.Arg94Cys)

Gene: PIK3R2 (phosphoinositide-3-kinase regulatory subunit 2; plus strand). Cytogenetic location: 19p13.11.
Variant type: single nucleotide variant.
Coding change: c.280C>T on transcript NM_005027.4 (MANE Select); coding-DNA position 280, C replaced by T.
Protein change: p.Arg94Cys; replaces arginine 94 with cysteine.
Molecular consequence: missense variant. On other transcripts: non-coding transcript variant (2).
Genome position (GRCh38, 1-based): chr19:18,156,159, C>T. VCF-style: chr19-18156159-C-T. GRCh37 (hg19) VCF-style: chr19-18266969-C-T.
Other names: short protein forms R94C.
Identifiers: ClinVar variation 2561133 (VCV002561133.29), dbSNP rs751984228, ClinGen allele CA9306678.